The following is an entry in ClinVar:

NM_006005.3(WFS1):c.1525_1539del (p.Val509_Tyr513del)

Gene: WFS1 (wolframin ER transmembrane glycoprotein; plus strand). Cytogenetic location: 4p16.1.
Variant type: Deletion.
Coding change: c.1525_1539del on transcript NM_006005.3 (MANE Select); coding-DNA positions 1525 to 1539, 15 bases deleted (GTCTACCTGCTCTAT).
Protein change: p.Val509_Tyr513del.
Molecular consequence: inframe deletion.
Genome position (GRCh38, 1-based): chr4:6,301,320-6,301,334, GTCTACCTGCTCTAT deleted; deleting any 15 consecutive bases within chr4:6,301,310-6,301,334 gives the same sequence; the c. name uses the placement nearest the transcript's 3' end. VCF-style (leftmost placement, unchanged base first): chr4-6301309-GCCTGCTCTATGTCTA-G. GRCh37 (hg19) VCF-style: chr4-6303036-GCCTGCTCTATGTCTA-G.
Other names: NG_011700.1:g.36471_36485del; NP_005996.2:p.(Val509_Tyr513del); c.1525_1539del, p.Val509_Tyr513del (NM_001145853.1).
Identifiers: ClinVar variation 1453842 (VCV001453842.20), dbSNP rs781262017, ClinGen allele CA2839387.

ClinVar aggregate classification (germline): Pathogenic/Likely pathogenic. Review status: criteria provided, multiple submitters, no conflicts (2 of 4 stars). 9 submissions from 9 submitters: Pathogenic (6); Likely pathogenic (2). 1 of the submissions does not count toward it. Last evaluated 2026-01-26.

Conditions:
Wolfram syndrome 1 (WFS1). Identifiers: Orphanet 3463, MedGen C4551693, MONDO:0009101, OMIM 222300.
Cataract 41 (CTRCT41). Also called: CATARACT 41, CONGENITAL NUCLEAR TYPE. Identifiers: Orphanet 91492, Orphanet 98991, Orphanet 98992, Orphanet 98995, MedGen C3805412, MONDO:0007287, OMIM 116400.
Wolfram-like syndrome. Also called: HEARING LOSS, PROGRESSIVE, WITH OPTIC ATROPHY AND/OR IMPAIRED GLUCOSE REGULATION. Identifiers: Orphanet 411590, MedGen C3280358, MONDO:0013673, OMIM 614296.
Autosomal dominant nonsyndromic hearing loss 6 (LFSNHL). Also called: Autosomal dominant nonsyndromic deafness 6; DEAFNESS, AUTOSOMAL DOMINANT 6; DEAFNESS, AUTOSOMAL DOMINANT 14; DEAFNESS, AUTOSOMAL DOMINANT 38. Identifiers: Orphanet 90635, MedGen C1833021, MONDO:0010963, OMIM 600965.
Type 2 diabetes mellitus. Also called: Type II diabetes mellitus. Identifiers: MedGen C0011860, MeSH D003924, MONDO:0005148, OMIM 125853, HP:0005978.
WFS1-related disorder. Identifiers: MedGen CN379391, MONDO:0700293.

Submissions (9):

3billion
Classification: Pathogenic for Wolfram syndrome 1. Last evaluated: 2026-01-26. Review status: criteria provided, single submitter. Criteria: ACMG Guidelines, 2015. Collection method: clinical testing. Allele origin: germline. Affected: yes.
Comment: The variant is observed at an extremely low frequency in the gnomAD v4.1.0 dataset (total allele frequency: 0.002%). Predicted Consequence/Location: Inframe deletion located in a nonrepeat region: predicted to change the length of the protein and disrupt normal protein function. The variant has been observed in multiple (>3) similarly affected unrelated individuals (PMID: 28432734, 32350710, 33980734, 35602877). The variant has been reported to be in trans with a pathogenic variant as either compound heterozygous or homozygous in at least 2 similarly affected unrelated individuals (PMID: 25895475, 28432734, 32350710, 33980734, 35602877). The variant has been reported to co-segregate with the disease in at least one similarly affected relative/individual in the same family or similarly affected unrelated families (PMID: 23373429, 28432734, 32350710). The variant has been reported at least twice as pathogenic with clinical assertions and evidence for the classification (ClinVar ID: VCV001453842 /PMID: 9771706). Therefore, this variant is classified as Pathogenic according to the recommendation of ACMG/AMP guideline.

Genomic Medicine Center of Excellence, King Faisal Specialist Hospital and Research Centre
Classification: Pathogenic for Wolfram syndrome 1. Last evaluated: 2024-09-22. Review status: criteria provided, single submitter. Criteria: ACMG Guidelines, 2015. Collection method: clinical testing. Allele origin: germline.

GeneDx
Classification: Likely pathogenic. Last evaluated: 2024-09-11. Review status: criteria provided, single submitter. Criteria: GeneDx Variant Classification Process June 2021. Collection method: clinical testing. Allele origin: germline. Affected: yes.
Comment: In-frame deletion of 5 amino acids in a non-repeat region; In silico analysis supports a deleterious effect on protein structure/function; This variant is associated with the following publications: (PMID: 23373429, 36098976, 9771706, 30352948, 33980734, 35452662, 35602877, 25895475, GosaliaH2023[Article], 28432734)

Labcorp Genetics (formerly Invitae), Labcorp
Classification: Pathogenic. Last evaluated: 2024-03-07. Review status: criteria provided, single submitter. Criteria: Invitae Variant Classification Sherloc (09022015). Collection method: clinical testing. Allele origin: germline.
Comment: This variant, c.1525_1539del, results in the deletion of 5 amino acid(s) of the WFS1 protein (p.Val509_Tyr513del), but otherwise preserves the integrity of the reading frame. This variant is present in population databases (rs781262017, gnomAD 0.01%). This variant has been observed in individual(s) with autosomal recessive Wolfram syndrome (PMID: 9771706, 25895475, 28432734). It has also been observed to segregate with disease in related individuals. This variant is also known as 1685del(CCTGCTCTATGTCTA) and del508YVYLL. ClinVar contains an entry for this variant (Variation ID: 1453842). For these reasons, this variant has been classified as Pathogenic.

Department Of Endocrinology, Sanjay Gandhi Postgraduate Institute Of Medical Sciences
Classification: Pathogenic for Wolfram syndrome 1. Last evaluated: 2023-08-15. Review status: criteria provided, single submitter. Criteria: ACMG Guidelines, 2015. Collection method: clinical testing. Allele origin: unknown. Inheritance: Autosomal recessive inheritance. Affected: yes. Observed: 2 homozygotes. Clinical features observed: Diabetes mellitus (HP:0000819).
Comment: Homozygous 15 base pair deletion in exon 8 of the WFS1 gene (chr4:g.6301320_6301334del) that results in the in-frame deletion of 5 amino acids. The observed variation has previously been reported in patients affected with Wolfram syndrome. This variant has not been reported in the 1000 genomes and gnomAD databases. The reference region is conserved across species. PS1, PM1, PM2, PM4, PP3.

Blueprint Genetics
Classification: Pathogenic for WFS1-related disorders. Last evaluated: 2022-09-05. Review status: criteria provided, single submitter. Criteria: ACMG Guidelines, 2015. Collection method: clinical testing. Allele origin: germline. Affected: yes. Observed: 2 variant alleles.

Fulgent Genetics
Classification: Pathogenic for Cataract 41; Type 2 diabetes mellitus; Wolfram syndrome 1; Autosomal dominant nonsyndromic hearing loss 6; Wolfram-like syndrome. Last evaluated: 2022-04-26. Review status: criteria provided, single submitter. Criteria: ACMG Guidelines, 2015. Collection method: clinical testing. Allele origin: unknown.

Rady Children's Institute for Genomic Medicine, Rady Children's Hospital San Diego
Classification: Likely pathogenic for WFS1-Related Disorders. Review status: criteria provided, single submitter. Criteria: ACMG Guidelines, 2015. Collection method: clinical testing. Allele origin: germline. Affected: yes.
Comment: This variant is also referred to as 1685del(CCTGCTCTATGTCTA) or 1683-1697del15 in the literature. This 15 base pair in-frame deletion is found in exon 8 of 8, and it leads to the loss of five amino acid residues. This variant has been previously reported as a homozygous (PMID: 23373429, 9771706, Gupta et al. 2018) and heterozygous change (PMID: 25895475) in individuals with WFS1-related disorders. The c.1525_1539del (p.Val509_Tyr513del) variant is present in the heterozygous state in the gnomAD population database at a frequency of 0.004% (10/249648) and thus is presumed to be rare. Based on the available evidence, the c.1525_1539del (p.Val509_Tyr513del) variant is classified as Likely Pathogenic.

OMIM
Classification: Pathogenic for WOLFRAM SYNDROME 1. Last evaluated: 1998-10-01. Review status: no assertion criteria provided. Collection method: literature only. Allele origin: germline. Not counted in ClinVar's aggregate classification.

Literature cited by the submitters: PubMed 9771706 (cited by 3 submitters); PubMed 33980734 (cited by 3billion and Department Of Endocrinology, Sanjay Gandhi Postgraduate Institute Of Medical Sciences); PubMed 35602877 (cited by 3billion and Department Of Endocrinology, Sanjay Gandhi Postgraduate Institute Of Medical Sciences); PubMed 25895475 (cited by 3billion and Labcorp Genetics (formerly Invitae), Labcorp); PubMed 28432734 (cited by 3 submitters); PubMed 32350710 (cited by 3billion and Department Of Endocrinology, Sanjay Gandhi Postgraduate Institute Of Medical Sciences); PubMed 23373429 (cited by 3billion and Department Of Endocrinology, Sanjay Gandhi Postgraduate Institute Of Medical Sciences).